The following is an entry in ClinVar:

NM_001367624.2(ZNF469):c.4051A>G (p.Ser1351Gly)

Gene: ZNF469 (zinc finger protein 469; plus strand). Cytogenetic location: 16q24.2.
Variant type: single nucleotide variant.
Coding change: c.4051A>G on transcript NM_001367624.2 (MANE Select); coding-DNA position 4051, A replaced by G.
Protein change: p.Ser1351Gly; replaces serine 1351 with glycine.
Molecular consequence: missense variant.
Genome position (GRCh38, 1-based): chr16:88,431,521, A>G. VCF-style: chr16-88431521-A-G. GRCh37 (hg19) VCF-style: chr16-88497929-A-G.
Other names: NM_001127464.1:c.3967A>G; short protein forms S1351G.
Identifiers: ClinVar variation 1308736 (VCV001308736.4), dbSNP rs1470603082, ClinGen allele CA397088910.
Genomic context (GRCh38, chr16:88,431,521, plus strand): 5'-GTGGCTAACCCCTCAAGTACCGCCTGCCCCAAACCCAGTGTTCTGTCTTCAAAGATCTCC[A>G]GTTTTGGCTGTGACCCTGCTGGTTTTAACAGAGACCCCTTGGGGGTTCCAGTTGCCAAAA-3'
Protein context (NP_001354553.1, residues 1341-1361): KPSVLSSKIS[Ser1351Gly]FGCDPAGFNR

ClinVar aggregate classification (germline): Uncertain significance (1 of 4 stars; one submission).

Allele frequency attached by ClinVar (database versions not stated): TOPMed below 0.00001; gnomAD 0.00001; gnomAD exomes 0.00001 and 0.00002.
gnomAD v4.1: 27 of 1,550,278 alleles (0.0017%); highest among the groups gnomAD compares: Non-Finnish European, 0.0023%; no homozygotes.

Submission:

GeneDx
Classification: Uncertain significance. Last evaluated: 2025-02-04. Review status: criteria provided, single submitter. Criteria: GeneDx Variant Classification Process June 2021. Collection method: clinical testing. Allele origin: germline. Affected: yes.
Comment: Not observed at significant frequency in large population cohorts (gnomAD); In silico analysis indicates that this missense variant does not alter protein structure/function; Has not been previously published as pathogenic or benign to our knowledge